The following is an entry in ClinVar:

NM_000038.6(APC):c.287A>G (p.Tyr96Cys)

Gene: APC (APC regulator of Wnt signaling pathway; plus strand). Cytogenetic location: 5q22.2.
Variant type: single nucleotide variant.
Coding change: c.287A>G on transcript NM_000038.6 (MANE Select); coding-DNA position 287, A replaced by G.
Protein change: p.Tyr96Cys; replaces tyrosine 96 with cysteine.
Molecular consequence: missense variant. On other transcripts: 5 prime UTR variant (1).
Genome position (GRCh38, 1-based): chr5:112,767,255, A>G. VCF-style: chr5-112767255-A-G. GRCh37 (hg19) VCF-style: chr5-112102952-A-G.
Other names: c.287A>G, p.Tyr96Cys (NM_001127510.3, NM_001354895.2, NM_001354896.2 and 2 more transcripts); c.317A>G, p.Tyr106Cys (NM_001127511.3, NM_001354897.2, NM_001354902.2); c.212A>G, p.Tyr71Cys (NM_001354898.2, NM_001354904.2); c.110A>G, p.Tyr37Cys (NM_001354900.2, NM_001354901.2, NM_001354905.2); c.-749A>G (NM_001354906.2); short protein forms Y106C, Y96C, Y71C, Y37C.
Identifiers: ClinVar variation 489432 (VCV000489432.12), dbSNP rs760770847, ClinGen allele CA033841.

ClinVar aggregate classification (germline): Conflicting classifications of pathogenicity. Review status: criteria provided, conflicting classifications (1 of 4 stars). 3 submissions from 3 submitters: Uncertain significance (2); Likely benign (1). Last evaluated 2025-11-22.

Conditions:
Hereditary cancer-predisposing syndrome. Also called: Hereditary Cancer Syndrome; Neoplastic Syndromes, Hereditary; Tumor predisposition; Hereditary neoplastic syndrome. Identifiers: Orphanet 140162, MedGen C0027672, MeSH D009386, MONDO:0015356.
Familial adenomatous polyposis 1 (FAP1). Also called: POLYPOSIS, ADENOMATOUS INTESTINAL; FAMILIAL ADENOMATOUS POLYPOSIS 1, ATTENUATED. Identifiers: MedGen C2713442, MONDO:0021056, OMIM 175100. Disease mechanism: loss of function.

Allele frequency attached by ClinVar (database versions not stated): gnomAD exomes 0.00001; ExAC 0.00002.
gnomAD v4.1: 10 of 1,614,174 alleles (0.00062%); highest among the groups gnomAD compares: South Asian, 0.011%; 1 homozygote.

Submissions (3):

Labcorp Genetics (formerly Invitae), Labcorp
Classification: Uncertain significance for Familial adenomatous polyposis 1. Last evaluated: 2025-11-22. Review status: criteria provided, single submitter. Criteria: Invitae Variant Classification Sherloc (09022015). Collection method: clinical testing. Allele origin: germline.
Comment: This sequence change replaces tyrosine, which is neutral and polar, with cysteine, which is neutral and slightly polar, at codon 96 of the APC protein (p.Tyr96Cys). This variant is present in population databases (rs760770847, gnomAD 0.01%). This variant has not been reported in the literature in individuals affected with APC-related conditions. ClinVar contains an entry for this variant (Variation ID: 489432). Invitae Evidence Modeling of protein sequence and biophysical properties (such as structural, functional, and spatial information, amino acid conservation, physicochemical variation, residue mobility, and thermodynamic stability) indicates that this missense variant is not expected to disrupt APC protein function with a negative predictive value of 95%. In summary, the available evidence is currently insufficient to determine the role of this variant in disease. Therefore, it has been classified as a Variant of Uncertain Significance.

Color Diagnostics, LLC DBA Color Health
Classification: Uncertain significance for Hereditary cancer-predisposing syndrome. Last evaluated: 2024-03-06. Review status: criteria provided, single submitter. Criteria: ACMG Guidelines, 2015. Collection method: clinical testing. Allele origin: germline.
Comment: This missense variant replaces tyrosine with cysteine at codon 96 of the APC protein. Computational prediction suggests that this variant may not impact protein structure and function (internally defined REVEL score threshold <= 0.5, PMID: 27666373). To our knowledge, functional studies have not been reported for this variant. This variant has not been reported in individuals affected with APC-related disorders in the literature. This variant has been identified in 3/251476 chromosomes in the general population by the Genome Aggregation Database (gnomAD). The available evidence is insufficient to determine the role of this variant in disease conclusively. Therefore, this variant is classified as a Variant of Uncertain Significance.

Ambry Genetics
Classification: Likely benign for Hereditary cancer-predisposing syndrome. Last evaluated: 2023-10-25. Review status: criteria provided, single submitter. Criteria: Ambry Variant Classification Scheme 2023. Collection method: clinical testing. Allele origin: germline.